The following is an entry in ClinVar:

ClinVar aggregate classification (germline): Uncertain significance (1 of 4 stars; one submission).

Allele frequency attached by ClinVar (database versions not stated): ExAC 0.00008; ESP Exome Variant Server 0.00008; gnomAD exomes 0.00008 and 0.00010; gnomAD 0.00011 and 0.00024; TOPMed 0.00023.
gnomAD v4.1: 182 of 1,614,042 alleles (0.011%); highest among the groups gnomAD compares: Non-Finnish European, 0.012%; 1 homozygote.

Submission:

Labcorp Genetics (formerly Invitae), Labcorp
Classification: Uncertain significance. Last evaluated: 2022-03-18. Review status: criteria provided, single submitter. Criteria: Invitae Variant Classification Sherloc (09022015). Collection method: clinical testing. Allele origin: germline.
Comment: This sequence change replaces isoleucine, which is neutral and non-polar, with threonine, which is neutral and polar, at codon 214 of the NAXE protein (p.Ile214Thr). This variant is present in population databases (rs200378020, gnomAD 0.02%). This variant has not been reported in the literature in individuals affected with NAXE-related conditions. Algorithms developed to predict the effect of missense changes on protein structure and function are either unavailable or do not agree on the potential impact of this missense change (SIFT: "Deleterious"; PolyPhen-2: "Possibly Damaging"; Align-GVGD: "Class C0"). In summary, the available evidence is currently insufficient to determine the role of this variant in disease. Therefore, it has been classified as a Variant of Uncertain Significance.

NM_144772.3(NAXE):c.641T>C (p.Ile214Thr)

Gene: NAXE (NAD(P)HX epimerase; plus strand). Cytogenetic location: 1q22.
Variant type: single nucleotide variant.
Coding change: c.641T>C on transcript NM_144772.3 (MANE Select); coding-DNA position 641, T replaced by C.
Protein change: p.Ile214Thr; replaces isoleucine 214 with threonine.
Molecular consequence: missense variant.
Genome position (GRCh38, 1-based): chr1:156,593,532, T>C. VCF-style: chr1-156593532-T-C. GRCh37 (hg19) VCF-style: chr1-156563324-T-C.
Other names: short protein forms I214T.
Identifiers: ClinVar variation 1387520 (VCV001387520.3), dbSNP rs200378020, ClinGen allele CA1162846.